The following is an entry in ClinVar:

NM_001374736.1(DST):c.14440G>A (p.Asp4814Asn)

Gene: DST (dystonin; minus strand). Cytogenetic location: 6p12.1.
Variant type: single nucleotide variant.
Coding change: c.14440G>A on transcript NM_001374736.1 (MANE Select); coding-DNA position 14440, G replaced by A.
Protein change: p.Asp4814Asn; replaces aspartic acid 4814 with asparagine.
Molecular consequence: missense variant.
Genome position (GRCh38, 1-based): chr6:56,560,294, C>T on the plus strand (G>A on the coding strand, the complement: DST is on the minus strand). VCF-style: chr6-56560294-C-T. GRCh37 (hg19) VCF-style: chr6-56425092-C-T.
Other names: c.8083G>A, p.Asp2695Asn (NM_001144769.5); c.7669G>A, p.Asp2557Asn (NM_001144770.2); c.14440G>A, p.Asp4814Asn (NM_001374722.1); c.13807G>A, p.Asp4603Asn (NM_001374729.1); c.7549G>A, p.Asp2517Asn (NM_001374730.1, NM_001386100.1, NM_183380.4); c.14467G>A, p.Asp4823Asn (NM_001374734.1); c.6571G>A, p.Asp2191Asn (NM_015548.5); short protein forms D2191N, D2517N, D2557N, D2695N, D4603N, D4814N, D4823N.
Identifiers: ClinVar variation 1157846 (VCV001157846.13), dbSNP rs200442117, ClinGen allele CA3868025.

ClinVar aggregate classification (germline): Likely benign. Review status: criteria provided, multiple submitters, no conflicts (2 of 4 stars). 4 submissions from 4 submitters: Likely benign (3). 1 of the submissions does not count toward it. Last evaluated 2025-11-12.

Conditions:
Inborn genetic diseases. Identifiers: MedGen C0950123, MeSH D030342.
Hereditary sensory and autonomic neuropathy type 6. Also called: Neuropathy, hereditary sensory and autonomic, type VI; HSAN VI. Identifiers: Orphanet 314381, MedGen C3539003, MONDO:0013839, OMIM 614653.
Epidermolysis bullosa simplex 3, localized or generalized intermediate, with BP230 deficiency (EBS3). Also called: Epidermolysis bullosa simplex, autosomal recessive 2; Epidermolysis bullosa simplex due to BP230 deficiency. Identifiers: Orphanet 412181, MedGen C3809470, MONDO:0014180, OMIM 615425.
DST-related disorder. Also called: DST-related disorders; DST-related condition.

Allele frequency attached by ClinVar (database versions not stated): gnomAD exomes 0.00019 and 0.00039; ExAC 0.00064; gnomAD 0.00142 and 0.00147; TOPMed 0.00152; 1000 Genomes Project 30x 0.00156; ESP Exome Variant Server 0.00159; 1000 Genomes Project 0.00180.
gnomAD v4.1: 507 of 1,604,470 alleles (0.032%); highest among the groups gnomAD compares: African/African-American, 0.48%; 1 homozygote.

Submissions (4):

Labcorp Genetics (formerly Invitae), Labcorp
Classification: Likely benign for Epidermolysis bullosa simplex 3, localized or generalized intermediate, with BP230 deficiency; Hereditary sensory and autonomic neuropathy type 6. Last evaluated: 2025-11-12. Review status: criteria provided, single submitter. Criteria: Invitae Variant Classification Sherloc (09022015). Collection method: clinical testing. Allele origin: germline.

Ambry Genetics
Classification: Likely benign for Inborn genetic diseases. Last evaluated: 2019-12-17. Review status: criteria provided, single submitter. Criteria: Ambry Variant Classification Scheme 2023. Collection method: clinical testing. Allele origin: germline.

Breakthrough Genomics
Classification: Likely benign. Review status: criteria provided, single submitter. Criteria: ACMG Guidelines, 2015. Collection method: not provided. Allele origin: germline. Inheritance: Autosomal recessive inheritance. Affected: yes.

PreventionGenetics, part of Exact Sciences
Classification: Likely benign for DST-related condition. Last evaluated: 2024-03-13. Review status: no assertion criteria provided. Collection method: clinical testing. Allele origin: germline. Not counted in ClinVar's aggregate classification.
Comment: This variant is classified as likely benign based on ACMG/AMP sequence variant interpretation guidelines (Richards et al. 2015 PMID: 25741868, with internal and published modifications).